The following is an entry in ClinVar:

ClinVar aggregate classification (germline): Uncertain significance (1 of 4 stars; one submission).

Allele frequency attached by ClinVar (database versions not stated): gnomAD exomes below 0.00001.
gnomAD v4.1: 5 of 1,208,323 alleles (0.00041%); highest among the groups gnomAD compares: Admixed American, 0.0065%; no homozygotes.

Submission:

Labcorp Genetics (formerly Invitae), Labcorp
Classification: Uncertain significance. Last evaluated: 2025-09-29. Review status: criteria provided, single submitter. Criteria: Invitae Variant Classification Sherloc (09022015). Collection method: clinical testing. Allele origin: germline.
Comment: This sequence change replaces alanine, which is neutral and non-polar, with threonine, which is neutral and polar, at codon 1525 of the CACNA1F protein (p.Ala1525Thr). This variant is present in population databases (no rsID available, gnomAD 0.004%). This variant has not been reported in the literature in individuals affected with CACNA1F-related conditions. ClinVar contains an entry for this variant (Variation ID: 1984270). Invitae Evidence Modeling of protein sequence and biophysical properties (such as structural, functional, and spatial information, amino acid conservation, physicochemical variation, residue mobility, and thermodynamic stability) indicates that this missense variant is not expected to disrupt CACNA1F protein function with a negative predictive value of 80%. In summary, the available evidence is currently insufficient to determine the role of this variant in disease. Therefore, it has been classified as a Variant of Uncertain Significance.

NM_001256789.3(CACNA1F):c.4540G>A (p.Ala1514Thr)

Genes: CACNA1F (calcium voltage-gated channel subunit alpha1 F; minus strand), LOC126863257 (BRD4-independent group 4 enhancer GRCh37_chrX:49065732-49066931; plus strand). Cytogenetic location: Xp11.23.
Variant type: single nucleotide variant.
Coding change: c.4540G>A on transcript NM_001256789.3 (MANE Select); coding-DNA position 4540, G replaced by A.
Protein change: p.Ala1514Thr; replaces alanine 1514 with threonine.
Molecular consequence: missense variant.
Genome position (GRCh38, 1-based): chrX:49,210,349, C>T on the plus strand (G>A on the coding strand, the complement: CACNA1F is on the minus strand). VCF-style: chrX-49210349-C-T. GRCh37 (hg19) VCF-style: chrX-49066809-C-T.
Other names: c.4378G>A, p.Ala1460Thr (NM_001256790.3); c.4573G>A, p.Ala1525Thr (NM_005183.4); short protein forms A1514T, A1460T, A1525T.
Identifiers: ClinVar variation 1984270 (VCV001984270.4), dbSNP rs1557105897, ClinGen allele CA412960784.